The following is an entry in ClinVar:

NM_001131016.2(CIZ1):c.1742C>T (p.Ala581Val)

Gene: CIZ1 (CDKN1A interacting zinc finger protein 1; minus strand). Cytogenetic location: 9q34.11.
Variant type: single nucleotide variant.
Coding change: c.1742C>T on transcript NM_001131016.2 (MANE Select); coding-DNA position 1742, C replaced by T.
Protein change: p.Ala581Val; replaces alanine 581 with valine.
Molecular consequence: missense variant.
Genome position (GRCh38, 1-based): chr9:128,177,642, G>A on the plus strand (C>T on the coding strand, the complement: CIZ1 is on the minus strand). VCF-style: chr9-128177642-G-A. GRCh37 (hg19) VCF-style: chr9-130939921-G-A.
Other names: c.1574C>T, p.Ala525Val (NM_001131015.2); c.1559C>T, p.Ala520Val (NM_001131017.2); c.1502C>T, p.Ala501Val (NM_001131018.2); c.1832C>T, p.Ala611Val (NM_001257975.2); c.1439C>T, p.Ala480Val (NM_001257976.2); c.1742C>T, p.Ala581Val (NM_012127.3); short protein forms A480V, A501V, A525V, A520V, A581V, A611V.
Identifiers: ClinVar variation 836671 (VCV000836671.9), dbSNP rs757083401, ClinGen allele CA5257240.
Genomic context (GRCh38, chr9:128,177,642, plus strand): 5'-CTGGCCTTGCAGATGTAGCAGAAGAACTGGAGGGCCTGCTTAGAGGGAGTGCTGGTAGCC[G>A]CAGGGGTGGAGGAGACGGAGTCACTGGGGCGGGGGACAGGTGTCAGGGGTACAGTGCTAA-3'
Protein context (NP_001124488.1, residues 571-591): RPSDSVSSTP[Ala581Val]ATSTPSKQAL

ClinVar aggregate classification (germline): Uncertain significance (1 of 4 stars; one submission).

Conditions:
Dystonic disorder. Also called: Dystonia. Identifiers: MedGen C0013421, MONDO:0003441, HP:0001332.

Allele frequency attached by ClinVar (database versions not stated): TOPMed below 0.00001; gnomAD 0.00001; gnomAD exomes 0.00002; ExAC 0.00003.
gnomAD v4.1: 24 of 1,583,416 alleles (0.0015%); highest among the groups gnomAD compares: Admixed American, 0.0072%; no homozygotes.

Submission:

Labcorp Genetics (formerly Invitae), Labcorp
Classification: Uncertain significance for Dystonic disorder. Last evaluated: 2024-05-07. Review status: criteria provided, single submitter. Criteria: Invitae Variant Classification Sherloc (09022015). Collection method: clinical testing. Allele origin: germline.
Comment: This sequence change replaces alanine, which is neutral and non-polar, with valine, which is neutral and non-polar, at codon 581 of the CIZ1 protein (p.Ala581Val). The frequency data for this variant in the population databases is considered unreliable, as metrics indicate poor data quality at this position in the gnomAD database. This variant has not been reported in the literature in individuals affected with CIZ1-related conditions. ClinVar contains an entry for this variant (Variation ID: 836671). Algorithms developed to predict the effect of missense changes on protein structure and function output the following: SIFT: "Not Available"; PolyPhen-2: "Benign"; Align-GVGD: "Not Available". The valine amino acid residue is found in multiple mammalian species, which suggests that this missense change does not adversely affect protein function. In summary, the available evidence is currently insufficient to determine the role of this variant in disease. Therefore, it has been classified as a Variant of Uncertain Significance.